The following is an entry in ClinVar:

ClinVar aggregate classification (germline): Uncertain significance (1 of 4 stars; one submission).

Conditions:
Cohen syndrome (COH1). Also called: PEPPER SYNDROME; Cutis verticis gyrata, retinitis pigmentosa, and sensorineural deafness. Identifiers: Orphanet 193, MedGen C0265223, MONDO:0008999, OMIM 216550.

gnomAD v4.1: 3 of 1,613,722 alleles (0.00019%); highest among the groups gnomAD compares: African/African-American, 0.0013%; no homozygotes.

Submission:

Labcorp Genetics (formerly Invitae), Labcorp
Classification: Uncertain significance for Cohen syndrome. Last evaluated: 2025-05-27. Review status: criteria provided, single submitter. Criteria: Invitae Variant Classification Sherloc (09022015). Collection method: clinical testing. Allele origin: germline.
Comment: This sequence change replaces leucine, which is neutral and non-polar, with isoleucine, which is neutral and non-polar, at codon 818 of the VPS13B protein (p.Leu818Ile). This variant is not present in population databases (gnomAD no frequency). This variant has not been reported in the literature in individuals affected with VPS13B-related conditions. Invitae Evidence Modeling of protein sequence and biophysical properties (such as structural, functional, and spatial information, amino acid conservation, physicochemical variation, residue mobility, and thermodynamic stability) indicates that this missense variant is not expected to disrupt VPS13B protein function with a negative predictive value of 80%. In summary, the available evidence is currently insufficient to determine the role of this variant in disease. Therefore, it has been classified as a Variant of Uncertain Significance.

NM_152564.5(VPS13B):c.2452C>A (p.Leu818Ile)

Gene: VPS13B (vacuolar protein sorting 13 homolog B; plus strand). Cytogenetic location: 8q22.2.
Variant type: single nucleotide variant.
Coding change: c.2452C>A on transcript NM_152564.5 (MANE Select); coding-DNA position 2452, C replaced by A.
Protein change: p.Leu818Ile; replaces leucine 818 with isoleucine.
Molecular consequence: missense variant.
Genome position (GRCh38, 1-based): chr8:99,192,994, C>A. VCF-style: chr8-99192994-C-A. GRCh37 (hg19) VCF-style: chr8-100205222-C-A.
Other names: c.2452C>A, p.Leu818Ile (NM_015243.3, NM_017890.5); short protein forms L818I.
Identifiers: ClinVar variation 4698915 (VCV004698915.1).